The following is an entry in ClinVar:

ClinVar aggregate classification (germline): Conflicting classifications of pathogenicity. Review status: criteria provided, conflicting classifications (1 of 4 stars). 2 submissions from 2 submitters: Uncertain significance (1); Likely benign (1). Last evaluated 2023-03-23.

Conditions:
Hereditary cancer-predisposing syndrome. Also called: Neoplastic Syndromes, Hereditary; Hereditary Cancer Syndrome; Tumor predisposition; Hereditary neoplastic syndrome. Identifiers: Orphanet 140162, MedGen C0027672, MeSH D009386, MONDO:0015356.
Hereditary breast ovarian cancer syndrome. Also called: Breast and ovarian cancer; Hereditary breast and ovarian cancer; Hereditary breast and ovarian cancer syndrome; Hereditary breast and ovarian cancer syndrome (HBOC); BRCA1- and BRCA2-Associated Hereditary Breast and Ovarian Cancer; Hereditary breast and/or ovarian cancer syndrome. Identifiers: Orphanet 145, MedGen C0677776, MeSH D061325, MONDO:0003582. Disease mechanism: loss of function.

Submissions (2):

University of Washington Department of Laboratory Medicine, University of Washington
Classification: Likely benign for Hereditary cancer-predisposing syndrome. Last evaluated: 2023-03-23. Review status: criteria provided, single submitter. Criteria: Dines et al. (Genet Med. 2020). Collection method: curation. Allele origin: germline.
Comment: Missense variant in a coldspot region where missense variants are very unlikely to be pathogenic (PMID:31911673).

BRCA1 coldspot (exon 11 using historical exon numbering). Reclassification based on statistical prior probability

Labcorp Genetics (formerly Invitae), Labcorp
Classification: Uncertain significance for Hereditary breast ovarian cancer syndrome. Last evaluated: 2021-10-23. Review status: criteria provided, single submitter. Criteria: Invitae Variant Classification Sherloc (09022015). Collection method: clinical testing. Allele origin: germline.
Comment: In summary, the available evidence is currently insufficient to determine the role of this variant in disease. Therefore, it has been classified as a Variant of Uncertain Significance. Advanced modeling of protein sequence and biophysical properties (such as structural, functional, and spatial information, amino acid conservation, physicochemical variation, residue mobility, and thermodynamic stability) performed at Invitae indicates that this missense variant is not expected to disrupt BRCA1 protein function. This variant has not been reported in the literature in individuals affected with BRCA1-related conditions. This variant is not present in population databases (ExAC no frequency). This sequence change replaces aspartic acid with glutamic acid at codon 414 of the BRCA1 protein (p.Asp414Glu). The aspartic acid residue is weakly conserved and there is a small physicochemical difference between aspartic acid and glutamic acid.

NM_007294.4(BRCA1):c.1242C>A (p.Asp414Glu)

Gene: BRCA1 (BRCA1 DNA repair associated; minus strand). Cytogenetic location: 17q21.31.
Variant type: single nucleotide variant.
Coding change: c.1242C>A on transcript NM_007294.4 (MANE Select); coding-DNA position 1242, C replaced by A.
Protein change: p.Asp414Glu; replaces aspartic acid 414 with glutamic acid.
Molecular consequence: missense variant. On other transcripts: intron variant (137).
Genome position (GRCh38, 1-based): chr17:43,094,289, G>T on the plus strand (C>A on the coding strand, the complement: BRCA1 is on the minus strand). VCF-style: chr17-43094289-G-T. GRCh37 (hg19) VCF-style: chr17-41246306-G-T.
Other names: c.978C>A, p.Asp326Glu (NM_001407935.1, NM_001407920.1, NM_001407921.1 and 9 more transcripts); c.975C>A, p.Asp325Glu (NM_001407936.1, NM_001407930.1, NM_001407931.1 and 2 more transcripts); c.1119C>A, p.Asp373Glu (NM_001407937.1, NM_001407938.1, NM_001407939.1 and 19 more transcripts); c.1116C>A, p.Asp372Glu (NM_001407940.1, NM_001407941.1, NM_001407649.1 and 11 more transcripts); c.1101C>A, p.Asp367Glu (NM_001407942.1, NM_001407944.1, NM_001407945.1 and 29 more transcripts); c.1098C>A, p.Asp366Glu (NM_001407943.1, NM_001407964.1, NM_001407740.1 and 20 more transcripts); c.909C>A, p.Asp303Glu (NM_001407946.1, NM_001407947.1, NM_001407948.1 and 6 more transcripts); c.906C>A, p.Asp302Glu (NM_001407956.1, NM_001407958.1, NM_001407954.1 and 1 more transcripts); and 40 more; short protein forms D367E, D414E, D287E, D346E, D411E, D118E, D302E, D372E.
Identifiers: ClinVar variation 1473792 (VCV001473792.9), dbSNP rs372400428, ClinGen allele CA10599568.